The following is an entry in ClinVar:

NM_000387.6(SLC25A20):c.326+1del

Gene: SLC25A20 (solute carrier family 25 member 20; minus strand). Cytogenetic location: 3p21.31.
Variant type: Deletion.
Coding change: c.326+1del on transcript NM_000387.6 (MANE Select); the canonical splice donor site of the intron after coding-DNA position 326, one base deleted (G; older notation c.326+1delG).
Molecular consequence: splice donor variant.
Genome position (GRCh38, 1-based): chr3:48,883,996, C deleted on the plus strand (G on the coding strand, the reverse complement: SLC25A20 is on the minus strand); the first of 2 consecutive C bases (chr3:48,883,996-48,883,997); deleting either gives the same sequence. VCF-style (leftmost placement, unchanged base first): chr3-48883995-AC-A. GRCh37 (hg19) VCF-style: chr3-48921428-AC-A.
Other names: c.326+1delG (NM_000387.5).
Identifiers: ClinVar variation 345943 (VCV000345943.25), dbSNP rs757552268, ClinGen allele CA2387439.

ClinVar aggregate classification (germline): Pathogenic. Review status: criteria provided, multiple submitters, no conflicts (2 of 4 stars). 6 submissions from 6 submitters: Pathogenic (5). 1 of the submissions does not count toward it. Last evaluated 2026-01-25.

Conditions:
SLC25A20-related disorder. Also called: SLC25A20-related condition.
Carnitine acylcarnitine translocase deficiency (CACTD). Identifiers: Orphanet 159, MedGen C0342791, MONDO:0008918, OMIM 212138.

Submissions (6):

Labcorp Genetics (formerly Invitae), Labcorp
Classification: Pathogenic for Carnitine acylcarnitine translocase deficiency. Last evaluated: 2026-01-25. Review status: criteria provided, single submitter. Criteria: Invitae Variant Classification Sherloc (09022015). Collection method: clinical testing. Allele origin: germline.
Comment: This sequence change creates a premature translational stop signal (Splice site) in the SLC25A20 gene. It is expected to result in an absent or disrupted protein product. Loss-of-function variants in SLC25A20 are known to be pathogenic (PMID: 25614308). This variant is present in population databases (rs757552268, gnomAD 0.005%). This premature translational stop signal has been observed in individuals with carnitine-acylcarnitine translocase deficiency (PMID: 11350184, 11592821, 15365988, 16919490). This variant is also known as 388 1-G deletion and 326+1del. ClinVar contains an entry for this variant (Variation ID: 345943). Algorithms developed to predict the effect of sequence changes on RNA splicing suggest that this variant may disrupt the consensus splice site. For these reasons, this variant has been classified as Pathogenic.

Fulgent Genetics
Classification: Pathogenic for Carnitine acylcarnitine translocase deficiency. Last evaluated: 2024-05-02. Review status: criteria provided, single submitter. Criteria: ACMG Guidelines, 2015. Collection method: clinical testing. Allele origin: germline.

GeneDx
Classification: Pathogenic. Last evaluated: 2023-01-17. Review status: criteria provided, single submitter. Criteria: GeneDx Variant Classification Process June 2021. Collection method: clinical testing. Allele origin: germline. Affected: yes.
Comment: Observed in trans with another variant in SLC25A20 in unrelated patients with SLC25A20-related carnitine-acylcarnitine translocase deficiency (Hsu et al., 2001; Korman et al., 2006); Canonical splice site variant predicted to result in a null allele in a gene for which loss of function is a known mechanism of disease; Not observed at significant frequency in large population cohorts (gnomAD); This variant is associated with the following publications: (PMID: 32070364, 25614308, 33634872, 31589614, 36109795, 11592821, 11350184, 16919490)

Women's Health and Genetics/Laboratory Corporation of America, LabCorp
Classification: Pathogenic for Carnitine acylcarnitine translocase deficiency. Last evaluated: 2018-10-05. Review status: criteria provided, single submitter. Criteria: LabCorp Variant Classification Summary - May 2015. Collection method: clinical testing. Allele origin: germline.
Comment: Variant summary: SLC25A20 c.326+1delG is located in a canonical splice-site and is predicted to affect mRNA splicing resulting in a significantly altered protein due to either exon skipping, shortening, or inclusion of intronic material. Five out five computational tools predict a significant impact on normal splicing consistent with multiple publications reporting experimental evidence that this variant affects mRNA splicing (Yang_2001, Hsu_2001). The variant allele was found at a frequency of 2.5e-05 in 244468 control chromosomes (gnomAD). c.326+1delG has been reported in the literature in multiple individuals affected with Carnitine-Acylcarnitine Translocase Deficiency (Yang_2001, Hsu_2001, Korman_2006), at-least one of whom was reported to have no Carnitine Acyltranslocase activity (Korman_2006). These data indicate that the variant is very likely to be associated with disease. Two ClinVar submissions from clinical diagnostic laboratories (evaluation after 2014) cites the variant as likely pathogenic/pathogenic. Based on the evidence outlined above, the variant was classified as pathogenic.

Illumina Laboratory Services, Illumina
Classification: Pathogenic for Carnitine acylcarnitine translocase deficiency. Last evaluated: 2017-04-27. Review status: criteria provided, single submitter. Criteria: ICSL Variant Classification Criteria 09 May 2019. Collection method: clinical testing. Allele origin: germline.
Comment: The SLC25A20 c.326+1delG variant occurs in a canonical splice site (donor) and is therefore predicted to disrupt or distort the normal gene product. The variant has been reported in three studies in which it is found in a total of four individuals with carnitine-acylcarnitine translocase deficiency including in a homozygous state in two siblings and in a compound heterozygous state in two unrelated individuals (Yang et al. 2001; Hsu et al. 2001; Korman et al. 2006). The c.326+1delG variant was absent from 30 healthy controls and is reported at a frequency of 0.00006 in the European (non-Finnish) population of the Exome Aggregation Consortium. Functional studies in individual fibroblasts showed a total absence of CACT enzyme activity while RT-PCR analysis revealed the variant resulted in skipping of either exon 3 or both exon 3 and exon 4 in individual RNA (Yang et al. 2001; Hsu et al. 2001; Korman et al. 2006). Based on the collective evidence and potential impact of splice site variants, the c.326+1delG variant is classified as pathogenic for carnitine-acylcarnitine translocase deficiency. This variant was observed by ICSL as part of a predisposition screen in an ostensibly healthy population.

PreventionGenetics, part of Exact Sciences
Classification: Pathogenic for SLC25A20-related condition. Last evaluated: 2023-12-18. Review status: no assertion criteria provided. Collection method: clinical testing. Allele origin: germline. Not counted in ClinVar's aggregate classification.
Comment: The SLC25A20 c.326+1delG variant is predicted to result in a deletion affecting a canonical splice site. This variant has been reported in the homozygous or compound heterozygous state in clinically affected individuals with enzymatically or biochemically confirmed carnitine-acylcarnitine translocase (CACT) deficiency (Yang et al 2001. PubMed ID: 11350184, described as 388g deletion; Korman SH et al 2006. PubMed ID: 16919490; Bhattacharya K et al 2020. PubMed ID: 32070364). RNA studies have shown that the c.326+1del variant leads to aberrant splicing, primarily skipping of SLC25A20 exon 3 or exons 3 and 4 together (Yang et al 2001. PubMed ID: 11350184; Korman SH et al 2006. PubMed ID: 16919490). This variant is reported in 0.0080% of alleles in individuals of European (Non-Finnish) descent in gnomAD. Taken together, this variant is interpreted as pathogenic.

Literature cited by the submitters: PubMed 25614308 (cited by Labcorp Genetics (formerly Invitae), Labcorp); PubMed 11350184 (cited by 3 submitters); PubMed 11592821 (cited by 3 submitters); PubMed 15365988 (cited by Labcorp Genetics (formerly Invitae), Labcorp); PubMed 16919490 (cited by 3 submitters).